The following is an entry in ClinVar:

ClinVar aggregate classification (germline): Uncertain significance (1 of 4 stars; one submission).

Conditions:
Pyruvate dehydrogenase E3 deficiency (DLDD). Also called: Dihydrolipoamide Dehydrogenase (E3) Deficiency; DLD DEFICIENCY; E3 DEFICIENCY; Dihydrolipoamide Dehydrogenase E3 Deficiency; Lipoamide dehydrogenase deficiency; Lipoamide dehydrogenase deficiency, lactic acidosis due to. Identifiers: Orphanet 2394, Orphanet 765, MedGen C5574660, MONDO:0009529, OMIM 246900.

Submission:

OLLIN Analises Genomicas, OLLIN
Classification: Uncertain significance for Pyruvate dehydrogenase E3 deficiency. Last evaluated: 2026-08-06. Review status: criteria provided, single submitter. Criteria: ACMG Guidelines 2015 PMID 25741868. Collection method: clinical testing. Allele origin: germline.
Comment: This missense variant, located in exon 10 (of 14), is absent from gnomAD and ClinVar and has not been identified in the literature. In silico analysis predicts that this variant has a tolerated effect. According to the currently available evidence, this variant has been classified as uncertain significance (PM2_P, BP4_M).

NM_000108.5(DLD):c.1022C>A (p.Thr341Asn)

Gene: DLD (dihydrolipoamide dehydrogenase; plus strand). Cytogenetic location: 7q31.1.
Variant type: single nucleotide variant.
Coding change: c.1022C>A on transcript NM_000108.5 (MANE Select); coding-DNA position 1022, C replaced by A.
Protein change: p.Thr341Asn; replaces threonine 341 with asparagine.
Molecular consequence: missense variant.
Genome position (GRCh38, 1-based): chr7:107,916,940, C>A. VCF-style: chr7-107916940-C-A. GRCh37 (hg19) VCF-style: chr7-107557385-C-A.
Other names: c.725C>A, p.Thr242Asn (NM_001289750.1); c.953C>A, p.Thr318Asn (NM_001289751.1); c.878C>A, p.Thr293Asn (NM_001289752.1); short protein forms T242N, T293N, T318N, T341N.
Identifiers: ClinVar variation 5003096 (VCV005003096.1).